The following is an entry in ClinVar:

NM_000548.5(TSC2):c.1120A>G (p.Thr374Ala)

Gene: TSC2 (TSC complex subunit 2; plus strand). Cytogenetic location: 16p13.3.
Variant type: single nucleotide variant.
Coding change: c.1120A>G on transcript NM_000548.5 (MANE Select); coding-DNA position 1120, A replaced by G.
Protein change: p.Thr374Ala; replaces threonine 374 with alanine.
Molecular consequence: missense variant.
Genome position (GRCh38, 1-based): chr16:2,061,871, A>G. VCF-style: chr16-2061871-A-G. GRCh37 (hg19) VCF-style: chr16-2111872-A-G.
Other names: c.1120A>G, p.Thr374Ala (NM_001077183.3, NM_001114382.3, NM_001363528.2 and 6 more transcripts); c.1009A>G, p.Thr337Ala (NM_001318827.2, NM_001406670.1, NM_001406678.1); c.973A>G, p.Thr325Ala (NM_001318829.2, NM_001406675.1, NM_001406676.1 and 1 more transcripts); c.520A>G, p.Thr174Ala (NM_001318831.2, NM_001406684.1, NM_001406685.1 and 6 more transcripts); c.1153A>G, p.Thr385Ala (NM_001318832.2); c.1210A>G, p.Thr404Ala (NM_001406667.1, NM_001406668.1); c.1108A>G, p.Thr370Ala (NM_001406671.1, NM_001406673.1); c.-225A>G (NM_001406689.1, NM_001406690.1, NM_001406691.1 and 4 more transcripts); and 4 more; short protein forms T374A, T220A, T325A, T370A, T404A, T355A, T385A, T174A.
Identifiers: ClinVar variation 2106323 (VCV002106323.4), dbSNP rs2086678793, ClinGen allele CA394319734.

ClinVar aggregate classification (germline): Uncertain significance (1 of 4 stars; one submission).

Conditions:
Tuberous sclerosis 2 (TSC2). Identifiers: Orphanet 805, MedGen C1860707, MONDO:0013199, OMIM 613254.

Allele frequency attached by ClinVar (database versions not stated): gnomAD exomes below 0.00001.
gnomAD v4.1: 1 of 1,614,062 alleles (0.000062%); highest among the groups gnomAD compares: Non-Finnish European, 0.000085%; no homozygotes.

Submission:

Labcorp Genetics (formerly Invitae), Labcorp
Classification: Uncertain significance for Tuberous sclerosis 2. Last evaluated: 2025-06-24. Review status: criteria provided, single submitter. Criteria: Invitae Variant Classification Sherloc (09022015). Collection method: clinical testing. Allele origin: germline.
Comment: This sequence change replaces threonine, which is neutral and polar, with alanine, which is neutral and non-polar, at codon 374 of the TSC2 protein (p.Thr374Ala). This variant is not present in population databases (gnomAD no frequency). This variant has not been reported in the literature in individuals affected with TSC2-related conditions. ClinVar contains an entry for this variant (Variation ID: 2106323). An algorithm developed to predict the effect of missense changes on protein structure and function (PolyPhen-2) suggests that this variant is likely to be tolerated. In summary, the available evidence is currently insufficient to determine the role of this variant in disease. Therefore, it has been classified as a Variant of Uncertain Significance.